The following is an entry in ClinVar:

ClinVar aggregate classification (germline): Uncertain significance. Review status: criteria provided, multiple submitters, no conflicts (2 of 4 stars). 2 submissions from 2 submitters: Uncertain significance (2). Last evaluated 2026-03-02.

Conditions:
Inborn genetic diseases. Identifiers: MedGen C0950123, MeSH D030342.
Fanconi anemia (FA). Also called: Fanconi's anemia. Identifiers: Orphanet 84, MedGen C0015625, MeSH D005199, MONDO:0019391.

Submissions (2):

Ambry Genetics
Classification: Uncertain significance for Inborn genetic diseases. Last evaluated: 2026-03-02. Review status: criteria provided, single submitter. Criteria: Ambry Variant Classification Scheme 2023. Collection method: clinical testing. Allele origin: germline.
Comment: The p.V291I variant (also known as c.871G>A), located in coding exon 4 of the FANCM gene, results from a G to A substitution at nucleotide position 871. The valine at codon 291 is replaced by isoleucine, an amino acid with highly similar properties. This amino acid position is conserved. In addition, this alteration is predicted to be tolerated by in silico analysis. Based on the available evidence, the clinical significance of this variant remains unclear.

Labcorp Genetics (formerly Invitae), Labcorp
Classification: Uncertain significance for Fanconi anemia. Last evaluated: 2020-10-25. Review status: criteria provided, single submitter. Criteria: Invitae Variant Classification Sherloc (09022015). Collection method: clinical testing. Allele origin: germline.
Comment: This sequence change replaces valine with isoleucine at codon 291 of the FANCM protein (p.Val291Ile). The valine residue is highly conserved and there is a small physicochemical difference between valine and isoleucine. This variant is not present in population databases (ExAC no frequency). This variant has not been reported in the literature in individuals with FANCM-related conditions. Algorithms developed to predict the effect of missense changes on protein structure and function are either unavailable or do not agree on the potential impact of this missense change (SIFT: "Deleterious"; PolyPhen-2: "Benign"; Align-GVGD: "Class C0"). In summary, the available evidence is currently insufficient to determine the role of this variant in disease. Therefore, it has been classified as a Variant of Uncertain Significance.

NM_020937.4(FANCM):c.871G>A (p.Val291Ile)

Gene: FANCM (FA complementation group M; plus strand). Cytogenetic location: 14q21.2.
Variant type: single nucleotide variant.
Coding change: c.871G>A on transcript NM_020937.4 (MANE Select); coding-DNA position 871, G replaced by A.
Protein change: p.Val291Ile; replaces valine 291 with isoleucine.
Molecular consequence: missense variant.
Genome position (GRCh38, 1-based): chr14:45,148,948, G>A. VCF-style: chr14-45148948-G-A. GRCh37 (hg19) VCF-style: chr14-45618151-G-A.
Other names: c.793G>A, p.Val265Ile (NM_001308133.2); c.871G>A, p.Val291Ile (NM_001308134.2); c.871G>A (NM_020937.2); short protein forms V265I, V291I.
Identifiers: ClinVar variation 1059177 (VCV001059177.10), dbSNP rs1566732276, ClinGen allele CA389590112.